The following is an entry in ClinVar:

ClinVar aggregate classification (germline): Likely benign. Review status: criteria provided, multiple submitters, no conflicts (2 of 4 stars). 2 submissions from 2 submitters: Likely benign (2). Last evaluated 2026-02-26.

Conditions:
CDH23-related disorder. Also called: CDH23-related condition; CDH23-related disorders.

gnomAD v4.1: 2 of 1,613,542 alleles (0.00012%); highest among the groups gnomAD compares: Non-Finnish European, 0.00017%; no homozygotes.

Submissions (2):

PreventionGenetics, part of Exact Sciences
Classification: Likely benign for CDH23-related condition. Last evaluated: 2026-02-26. Review status: criteria provided, single submitter. Criteria: ACMG Guidelines, 2015. Collection method: clinical testing. Allele origin: germline.
Comment: This variant is classified as likely benign based on ACMG/AMP sequence variant interpretation guidelines (Richards et al. 2015 PMID: 25741868, with internal and published modifications).

Labcorp Genetics (formerly Invitae), Labcorp
Classification: Likely benign. Last evaluated: 2024-06-26. Review status: criteria provided, single submitter. Criteria: Invitae Variant Classification Sherloc (09022015). Collection method: clinical testing. Allele origin: germline.

NM_022124.6(CDH23):c.3561C>T (p.Pro1187=)

Genes: C10orf105 (chromosome 10 open reading frame 105; minus strand), CDH23 (cadherin related 23; plus strand). Cytogenetic location: 10q22.1.
Variant type: single nucleotide variant.
Coding change: c.3561C>T on transcript NM_022124.6 (MANE Select); coding-DNA position 3561, C replaced by T.
Protein change: p.Pro1187=; no amino-acid change (proline 1187 retained).
Molecular consequence: synonymous variant. On other transcripts: intron variant (1).
Genome position (GRCh38, 1-based): chr10:71,725,502, C>T. VCF-style: chr10-71725502-C-T. GRCh37 (hg19) VCF-style: chr10-73485259-C-T.
Other names: c.-5-9160G>A (NM_001168390.2); c.3561C>T, p.Pro1187= (NM_001171930.2).
Identifiers: ClinVar variation 2846529 (VCV002846529.4), dbSNP rs778812276, ClinGen allele CA470066264.